The following is an entry in ClinVar:

NM_000155.4(GALT):c.627T>A (p.Tyr209Ter)

Gene: GALT (galactose-1-phosphate uridylyltransferase; plus strand). Cytogenetic location: 9p13.3.
Variant type: single nucleotide variant.
Coding change: c.627T>A on transcript NM_000155.4 (MANE Select); coding-DNA position 627, T replaced by A.
Protein change: p.Tyr209Ter; replaces tyrosine 209 with a stop codon.
Molecular consequence: nonsense.
Genome position (GRCh38, 1-based): chr9:34,648,396, T>A. VCF-style: chr9-34648396-T-A. GRCh37 (hg19) VCF-style: chr9-34648393-T-A.
Other names: c.300T>A, p.Tyr100Ter (NM_001258332.2); short protein forms Y209*, Y100*.
Identifiers: ClinVar variation 370724 (VCV000370724.8), dbSNP rs1057516720, ClinGen allele CA16041307.

ClinVar aggregate classification (germline): Pathogenic. Review status: criteria provided, single submitter (1 of 4 stars). 2 submissions from 2 submitters: Pathogenic (1). 1 of the submissions does not count toward it. Last evaluated 2022-10-08.

Conditions:
Deficiency of UDPglucose-hexose-1-phosphate uridylyltransferase. Also called: Transferase Deficiency Galactosemia; GALACTOSEMIA I; GALACTOSE-1-PHOSPHATE URIDYLYLTRANSFERASE DEFICIENCY; GALT deficiency; Galactosemia, classic. Identifiers: Orphanet 352, Orphanet 79239, MedGen C0268151, MONDO:0009258, OMIM 230400.

Submissions (2):

Labcorp Genetics (formerly Invitae), Labcorp
Classification: Pathogenic for Deficiency of UDPglucose-hexose-1-phosphate uridylyltransferase. Last evaluated: 2022-10-08. Review status: criteria provided, single submitter. Criteria: Invitae Variant Classification Sherloc (09022015). Collection method: clinical testing. Allele origin: germline.
Comment: This variant is not present in population databases (gnomAD no frequency). This sequence change creates a premature translational stop signal (p.Tyr209*) in the GALT gene. It is expected to result in an absent or disrupted protein product. Loss-of-function variants in GALT are known to be pathogenic (PMID: 22944367). For these reasons, this variant has been classified as Pathogenic. ClinVar contains an entry for this variant (Variation ID: 370724). This variant has not been reported in the literature in individuals affected with GALT-related conditions.

Counsyl
Classification: Likely pathogenic for Deficiency of UDPglucose-hexose-1-phosphate uridylyltransferase. Last evaluated: 2016-03-30. Review status: no assertion criteria provided. Collection method: clinical testing. Allele origin: unknown. Not counted in ClinVar's aggregate classification.

Literature cited by the submitters: PubMed 22944367 (cited by Labcorp Genetics (formerly Invitae), Labcorp).